The following is an entry in ClinVar:

ClinVar aggregate classification (germline): Uncertain significance (1 of 4 stars; one submission).

Conditions:
Amyotrophic lateral sclerosis type 8 (ALS8). Identifiers: Orphanet 803, MedGen C1837728, MONDO:0012077, OMIM 608627.
Adult-onset proximal spinal muscular atrophy, autosomal dominant. Also called: FINKEL LATE-ADULT TYPE SMA; Spinal muscular atrophy, late-onset, finkel type. Identifiers: Orphanet 209335, MedGen C1854058, MONDO:0008453, OMIM 182980.

gnomAD v4.1: 1 of 1,597,410 alleles (0.000063%); highest among the groups gnomAD compares: Non-Finnish European, 0.000086%; no homozygotes.

Submission:

Labcorp Genetics (formerly Invitae), Labcorp
Classification: Uncertain significance for Adult-onset proximal spinal muscular atrophy, autosomal dominant; Amyotrophic lateral sclerosis type 8. Last evaluated: 2025-06-15. Review status: criteria provided, single submitter. Criteria: Invitae Variant Classification Sherloc (09022015). Collection method: clinical testing. Allele origin: germline.
Comment: This sequence change replaces serine, which is neutral and polar, with cysteine, which is neutral and slightly polar, at codon 92 of the VAPB protein (p.Ser92Cys). This variant is not present in population databases (gnomAD no frequency). This variant has not been reported in the literature in individuals affected with VAPB-related conditions. Invitae Evidence Modeling of protein sequence and biophysical properties (such as structural, functional, and spatial information, amino acid conservation, physicochemical variation, residue mobility, and thermodynamic stability) indicates that this missense variant is expected to disrupt VAPB protein function with a positive predictive value of 80%. In summary, the available evidence is currently insufficient to determine the role of this variant in disease. Therefore, it has been classified as a Variant of Uncertain Significance.

NM_004738.5(VAPB):c.275C>G (p.Ser92Cys)

Gene: VAPB (VAMP associated protein B and C; plus strand). Cytogenetic location: 20q13.32.
Variant type: single nucleotide variant.
Coding change: c.275C>G on transcript NM_004738.5 (MANE Select); coding-DNA position 275, C replaced by G.
Protein change: p.Ser92Cys; replaces serine 92 with cysteine.
Molecular consequence: missense variant. On other transcripts: intron variant (1).
Genome position (GRCh38, 1-based): chr20:58,434,665, C>G. VCF-style: chr20-58434665-C-G. GRCh37 (hg19) VCF-style: chr20-57009721-C-G.
Other names: c.212-9412C>G (NM_001195677.2); short protein forms S92C.
Identifiers: ClinVar variation 4792145 (VCV004792145.1).
Genomic context (GRCh38, chr20:58,434,665, plus strand): 5'-TGTTACAGCCTTTCGATTATGATCCCAATGAGAAAAGTAAACACAAGTTTATGGTTCAGT[C>G]TATGTTTGCTCCAACTGACACTTCAGATATGGAAGCAGTAGTAAGTACTGAATGCTTCTT-3'
Protein context (NP_004729.1, residues 82-102): EKSKHKFMVQ[Ser92Cys]MFAPTDTSDM